The following is an entry in ClinVar:

NM_006231.4(POLE):c.1923+15C>A

Gene: POLE (DNA polymerase epsilon, catalytic subunit; minus strand). Cytogenetic location: 12q24.33.
Variant type: single nucleotide variant.
Coding change: c.1923+15C>A on transcript NM_006231.4 (MANE Select); 15 bases into the intron after coding-DNA position 1923, C replaced by A.
Molecular consequence: intron variant.
Genome position (GRCh38, 1-based): chr12:132,668,796, G>T on the plus strand (C>A on the coding strand, the complement: POLE is on the minus strand). VCF-style: chr12-132668796-G-T. GRCh37 (hg19) VCF-style: chr12-133245382-G-T.
Identifiers: ClinVar variation 509784 (VCV000509784.8), dbSNP rs763092591, ClinGen allele CA246289303.

ClinVar aggregate classification (germline): Likely benign. Review status: criteria provided, multiple submitters, no conflicts (2 of 4 stars). 2 submissions from 2 submitters: Likely benign (2). Last evaluated 2026-02-04.

Allele frequency attached by ClinVar (database versions not stated): gnomAD exomes 0.00001; TOPMed 0.00001; gnomAD 0.00002.
gnomAD v4.1: 24 of 1,613,862 alleles (0.0015%); highest among the groups gnomAD compares: Non-Finnish European, 0.0019%; no homozygotes.

Submissions (2):

Labcorp Genetics (formerly Invitae), Labcorp
Classification: Likely benign. Last evaluated: 2026-02-04. Review status: criteria provided, single submitter. Criteria: Invitae Variant Classification Sherloc (09022015). Collection method: clinical testing. Allele origin: germline.

GeneDx
Classification: Likely benign. Last evaluated: 2017-05-26. Review status: criteria provided, single submitter. Criteria: GeneDx Variant Classification (06012015). Collection method: clinical testing. Allele origin: germline. Affected: yes.
Comment: This variant is considered likely benign or benign based on one or more of the following criteria: it is a conservative change, it occurs at a poorly conserved position in the protein, it is predicted to be benign by multiple in silico algorithms, and/or has population frequency not consistent with disease.